The following is an entry in ClinVar:

ClinVar aggregate classification (germline): Likely benign. Review status: criteria provided, multiple submitters, no conflicts (2 of 4 stars). 5 submissions from 5 submitters: Likely benign (4). 1 of the submissions does not count toward it. Last evaluated 2025-07-30.

Conditions:
DOCK6-related disorder. Also called: DOCK6-related condition.

Allele frequency attached by ClinVar (database versions not stated): gnomAD 0.00024 and 0.00025; gnomAD exomes 0.00024 and 0.00038; TOPMed 0.00032; ExAC 0.00034; ESP Exome Variant Server 0.00066.
gnomAD v4.1: 420 of 1,610,938 alleles (0.026%); highest among the groups gnomAD compares: Middle Eastern, 0.16%; 1 homozygote.

Submissions (5):

Labcorp Genetics (formerly Invitae), Labcorp
Classification: Likely benign. Last evaluated: 2025-07-30. Review status: criteria provided, single submitter. Criteria: Invitae Variant Classification Sherloc (09022015). Collection method: clinical testing. Allele origin: germline.

Blueprint Genetics
Classification: Likely benign. Last evaluated: 2024-11-21. Review status: criteria provided, single submitter. Criteria: ACMG Guidelines, 2015. Collection method: clinical testing. Allele origin: germline.

CeGaT Center for Human Genetics Tuebingen
Classification: Likely benign. Last evaluated: 2024-08-01. Review status: criteria provided, single submitter. Criteria: CeGaT Center For Human Genetics Tuebingen Variant Classification Criteria Version 2. Collection method: clinical testing. Allele origin: germline. Affected: yes. Observed: 2 variant alleles.
Comment: DOCK6: BP4, BP7

Breakthrough Genomics
Classification: Likely benign. Review status: criteria provided, single submitter. Criteria: ACMG Guidelines, 2015. Collection method: not provided. Allele origin: germline. Inheritance: Autosomal recessive inheritance. Affected: yes.

PreventionGenetics, part of Exact Sciences
Classification: Likely benign for DOCK6-related condition. Last evaluated: 2024-01-17. Review status: no assertion criteria provided. Collection method: clinical testing. Allele origin: germline. Not counted in ClinVar's aggregate classification.
Comment: This variant is classified as likely benign based on ACMG/AMP sequence variant interpretation guidelines (Richards et al. 2015 PMID: 25741868, with internal and published modifications).

NM_020812.4(DOCK6):c.744C>T (p.Ser248=)

Gene: DOCK6 (dedicator of cytokinesis 6; minus strand). Cytogenetic location: 19p13.2.
Variant type: single nucleotide variant.
Coding change: c.744C>T on transcript NM_020812.4 (MANE Select); coding-DNA position 744, C replaced by T.
Protein change: p.Ser248=; no amino-acid change (serine 248 retained).
Molecular consequence: synonymous variant.
Genome position (GRCh38, 1-based): chr19:11,248,128, G>A on the plus strand (C>T on the coding strand, the complement: DOCK6 is on the minus strand). VCF-style: chr19-11248128-G-A. GRCh37 (hg19) VCF-style: chr19-11358804-G-A.
Other names: c.744C>T, p.Ser248= (NM_001367830.1).
Identifiers: ClinVar variation 782054 (VCV000782054.35), dbSNP rs369049785, ClinGen allele CA9208360.